The following is an entry in ClinVar:

ClinVar aggregate classification (germline): Pathogenic/Likely pathogenic. Review status: criteria provided, multiple submitters, no conflicts (2 of 4 stars). 5 submissions from 5 submitters: Pathogenic (2); Likely pathogenic (1). 2 of the submissions do not count toward it. Last evaluated 2024-06-13.

Conditions:
EVC-related disorder. Also called: EVC-related disorders; EVC-related condition.
Curry-Hall syndrome (WAD). Also called: WEYERS ACRODENTAL DYSOSTOSIS. Identifiers: Orphanet 952, MedGen C0457013, MONDO:0008673, OMIM 193530.
Ellis-van Creveld syndrome (EVC). Also called: Chondroectodermal dysplasia; MESOECTODERMAL DYSPLASIA. Identifiers: Orphanet 289, MedGen C0013903, MONDO:0009162, OMIM 225500.

Allele frequency attached by ClinVar (database versions not stated): gnomAD exomes 0.00001; ExAC 0.00002; gnomAD 0.00002; TOPMed 0.00002.
gnomAD v4.1: 52 of 1,613,860 alleles (0.0032%); highest among the groups gnomAD compares: Non-Finnish European, 0.0042%; no homozygotes.

Submissions (5):

Fulgent Genetics
Classification: Pathogenic for Curry-Hall syndrome; Ellis-van Creveld syndrome. Last evaluated: 2024-06-13. Review status: criteria provided, single submitter. Criteria: ACMG Guidelines, 2015. Collection method: clinical testing. Allele origin: germline.

Labcorp Genetics (formerly Invitae), Labcorp
Classification: Pathogenic for Curry-Hall syndrome; Ellis-van Creveld syndrome. Last evaluated: 2023-10-25. Review status: criteria provided, single submitter. Criteria: Invitae Variant Classification Sherloc (09022015). Collection method: clinical testing. Allele origin: germline.
Comment: This sequence change creates a premature translational stop signal (p.Gln879*) in the EVC gene. It is expected to result in an absent or disrupted protein product. Loss-of-function variants in EVC are known to be pathogenic (PMID: 23220543). This variant is present in population databases (rs121908424, gnomAD 0.003%). This premature translational stop signal has been observed in individual(s) with Ellis-van Creveld syndrome (PMID: 10700184). ClinVar contains an entry for this variant (Variation ID: 5339). Algorithms developed to predict the effect of sequence changes on RNA splicing suggest that this variant may disrupt the consensus splice site. For these reasons, this variant has been classified as Pathogenic.

Blueprint Genetics
Classification: Likely pathogenic for EVC-related disorders. Last evaluated: 2020-09-14. Review status: criteria provided, single submitter. Criteria: ACMG Guidelines, 2015. Collection method: clinical testing. Allele origin: germline. Affected: yes. Observed: 3 variant alleles.

Natera, Inc.
Classification: Pathogenic for Ellis-van Creveld syndrome. Last evaluated: 2021-07-21. Review status: no assertion criteria provided. Collection method: clinical testing. Allele origin: germline. Not counted in ClinVar's aggregate classification.

OMIM
Classification: Pathogenic for ELLIS-VAN CREVELD SYNDROME. Last evaluated: 2000-03-01. Review status: no assertion criteria provided. Collection method: literature only. Allele origin: germline. Not counted in ClinVar's aggregate classification.

Literature cited by the submitters: PubMed 23220543 (cited by Labcorp Genetics (formerly Invitae), Labcorp); PubMed 10700184 (cited by Labcorp Genetics (formerly Invitae), Labcorp and OMIM).

NM_153717.3(EVC):c.2635C>T (p.Gln879Ter)

Gene: EVC (EvC ciliary complex subunit 1; plus strand). Cytogenetic location: 4p16.2.
Variant type: single nucleotide variant.
Coding change: c.2635C>T on transcript NM_153717.3 (MANE Select); coding-DNA position 2635, C replaced by T.
Protein change: p.Gln879Ter; replaces glutamine 879 with a stop codon.
Molecular consequence: nonsense.
Genome position (GRCh38, 1-based): chr4:5,808,274, C>T. VCF-style: chr4-5808274-C-T. GRCh37 (hg19) VCF-style: chr4-5810001-C-T.
Other names: c.2635C>T, p.Gln879Ter (NM_001306090.2); short protein forms Q879*.
Identifiers: ClinVar variation 5339 (VCV000005339.12), dbSNP rs121908424, ClinGen allele CA117414.
Genomic context (GRCh38, chr4:5,808,274, plus strand): 5'-CAGAAGAGGTTCCTGGCCCAGTTCCCAGTGCACCAGCAGATGCGTCTGCACGCCCAGCAG[C>T]AGCAGGCAGGAGTCATGGACCTTCTGGAAGCCCAGCTGGAGACCCAGCTACAGGTACAAG-3'